The following is an entry in ClinVar:

ClinVar aggregate classification (germline): Likely benign. Review status: criteria provided, multiple submitters, no conflicts (2 of 4 stars). 3 submissions from 3 submitters: Likely benign (2). 1 of the submissions does not count toward it. Last evaluated 2026-01-06.

Conditions:
Usher syndrome type 1 (USH1). Also called: RETINITIS PIGMENTOSA AND CONGENITAL DEAFNESS. Identifiers: Orphanet 231169, Orphanet 886, MedGen C1568247, MONDO:0010168, OMIM 276900.

Allele frequency attached by ClinVar (database versions not stated): gnomAD exomes 0.00001; TOPMed 0.00001; gnomAD 0.00002.
gnomAD v4.1: 46 of 1,611,620 alleles (0.0029%); highest among the groups gnomAD compares: African/African-American, 0.0067%; no homozygotes.

Submissions (3):

Labcorp Genetics (formerly Invitae), Labcorp
Classification: Likely benign. Last evaluated: 2026-01-06. Review status: criteria provided, single submitter. Criteria: Invitae Variant Classification Sherloc (09022015). Collection method: clinical testing. Allele origin: germline.

Laboratory for Molecular Medicine, Mass General Brigham Personalized Medicine
Classification: Likely benign. Last evaluated: 2018-08-02. Review status: criteria provided, single submitter. Criteria: LMM Criteria. Collection method: clinical testing. Allele origin: germline. Observed: 1 variant allele.
Comment: The p.His3286His variant in CDH23 is classified as likely benign because it does not alter an amino acid residue, it is not located within the splice consensus sequence, and splice prediction algorithms do not predict a newly created splice site. This variant has been identified in 1/14342 African chromosomes by the Ge nome Aggregation Database (gnomAD). ACMG/AMP C riteria applied: BP4, BP7.

Natera, Inc.
Classification: Likely benign for Usher syndrome type 1. Last evaluated: 2020-10-16. Review status: no assertion criteria provided. Collection method: clinical testing. Allele origin: germline. Not counted in ClinVar's aggregate classification.

NM_022124.6(CDH23):c.9858C>T (p.His3286=)

Gene: CDH23 (cadherin related 23; plus strand). Cytogenetic location: 10q22.1.
Variant type: single nucleotide variant.
Coding change: c.9858C>T on transcript NM_022124.6 (MANE Select); coding-DNA position 9858, C replaced by T.
Protein change: p.His3286=; no amino-acid change (histidine 3286 retained).
Molecular consequence: synonymous variant.
Genome position (GRCh38, 1-based): chr10:71,815,071, C>T. VCF-style: chr10-71815071-C-T. GRCh37 (hg19) VCF-style: chr10-73574828-C-T.
Other names: c.3138C>T, p.His1046= (NM_001171933.1); c.3033C>T, p.His1011= (NM_001171934.1); c.549C>T, p.His183= (NM_001171935.1); c.444C>T, p.His148= (NM_001171936.1).
Identifiers: ClinVar variation 666664 (VCV000666664.13), dbSNP rs761835004, ClinGen allele CA5547190.